The following is an entry in ClinVar:

NM_001184880.2(PCDH19):c.2681C>A (p.Ser894Tyr)

Gene: PCDH19 (protocadherin 19; minus strand). Cytogenetic location: Xq22.1.
Variant type: single nucleotide variant.
Coding change: c.2681C>A on transcript NM_001184880.2 (MANE Select); coding-DNA position 2681, C replaced by A.
Protein change: p.Ser894Tyr; replaces serine 894 with tyrosine.
Molecular consequence: missense variant.
Genome position (GRCh38, 1-based): chrX:100,342,070, G>T on the plus strand (C>A on the coding strand, the complement: PCDH19 is on the minus strand). VCF-style: chrX-100342070-G-T. GRCh37 (hg19) VCF-style: chrX-99597068-G-T.
Other names: c.2540C>A, p.Ser847Tyr (NM_001105243.2); c.2537C>A, p.Ser846Tyr (NM_020766.3); short protein forms S846Y, S847Y, S894Y.
Identifiers: ClinVar variation 4539898 (VCV004539898.2).
Genomic context (GRCh38, chrX:100,342,070, plus strand): 5'-TGGTCACTCTCCTCATGTCCACTATCCTTCAGGCTGTTGCCCTCTAAGTCCTTGAAGGTG[G>T]AGCTGCTGGGTTGAAGACAGAATGATAATTTACGACCGTGACAGATCTGATTTTAAAAAT-3'
Protein context (NP_001171809.1, residues 884-904): NSRAHLIKSS[Ser894Tyr]TFKDLEGNSL

ClinVar aggregate classification (germline): Uncertain significance. Review status: criteria provided, multiple submitters, no conflicts (2 of 4 stars). 2 submissions from 2 submitters: Uncertain significance (2). Last evaluated 2025-06-28.

Conditions:
Developmental and epileptic encephalopathy, 9 (DEE9). Also called: Early infantile epileptic encephalopathy 9; EPILEPSY, FEMALE-RESTRICTED, WITH MENTAL RETARDATION; JUBERG-HELLMAN SYNDROME; PCDH19-Related X-Linked Female-Limited Epilepsy with Mental Retardation. Identifiers: Orphanet 101039, Orphanet 2076, MedGen C1848137, MONDO:0010246, OMIM 300088. Disease mechanism: loss of function.

gnomAD v4.1: 1 of 1,207,155 alleles (0.000083%); highest among the groups gnomAD compares: Non-Finnish European, 0.00011%; no homozygotes.

Submissions (2):

GeneDx
Classification: Uncertain significance. Last evaluated: 2025-06-28. Review status: criteria provided, single submitter. Criteria: GeneDx Variant Classification Process June 2021. Collection method: clinical testing. Allele origin: germline. Affected: yes.
Comment: Not observed at significant frequency in large population cohorts (gnomAD); In silico analysis suggests that this missense variant does not alter protein structure/function; Has not been previously published as pathogenic or benign to our knowledge

Labcorp Genetics (formerly Invitae), Labcorp
Classification: Uncertain significance for Developmental and epileptic encephalopathy, 9. Last evaluated: 2025-06-14. Review status: criteria provided, single submitter. Criteria: Invitae Variant Classification Sherloc (09022015). Collection method: clinical testing. Allele origin: germline.
Comment: This sequence change replaces serine, which is neutral and polar, with tyrosine, which is neutral and polar, at codon 894 of the PCDH19 protein (p.Ser894Tyr). This variant is present in population databases (rs368979338, gnomAD 0.001%). This variant has not been reported in the literature in individuals affected with PCDH19-related conditions. Invitae Evidence Modeling of protein sequence and biophysical properties (such as structural, functional, and spatial information, amino acid conservation, physicochemical variation, residue mobility, and thermodynamic stability) has been performed for this missense variant. However, the output from this modeling did not meet the statistical confidence thresholds required to predict the impact of this variant on PCDH19 protein function. In summary, the available evidence is currently insufficient to determine the role of this variant in disease. Therefore, it has been classified as a Variant of Uncertain Significance.